The following is an entry in ClinVar:

NM_001114753.3(ENG):c.908C>T (p.Ala303Val)

Gene: ENG (endoglin; minus strand). Cytogenetic location: 9q34.11.
Variant type: single nucleotide variant.
Coding change: c.908C>T on transcript NM_001114753.3 (MANE Select); coding-DNA position 908, C replaced by T.
Protein change: p.Ala303Val; replaces alanine 303 with valine.
Molecular consequence: missense variant.
Genome position (GRCh38, 1-based): chr9:127,824,883, G>A on the plus strand (C>T on the coding strand, the complement: ENG is on the minus strand). VCF-style: chr9-127824883-G-A. GRCh37 (hg19) VCF-style: chr9-130587162-G-A.
Other names: c.908C>T, p.Ala303Val (NM_000118.4, NM_001406715.1); c.362C>T, p.Ala121Val (NM_001278138.2); short protein forms A121V, A303V.
Identifiers: ClinVar variation 4870428 (VCV004870428.1).

ClinVar aggregate classification (germline): Uncertain significance (1 of 4 stars; one submission).

Conditions:
Cardiovascular phenotype. Identifiers: MedGen CN230736.

Submission:

Ambry Genetics
Classification: Uncertain significance for Cardiovascular phenotype. Last evaluated: 2026-03-19. Review status: criteria provided, single submitter. Criteria: Ambry Variant Classification Scheme 2023. Collection method: clinical testing. Allele origin: germline.
Comment: The p.A303V variant (also known as c.908C>T), located in coding exon 7 of the ENG gene, results from a C to T substitution at nucleotide position 908. The alanine at codon 303 is replaced by valine, an amino acid with similar properties. This amino acid position is conserved. In addition, this alteration is predicted to be tolerated by in silico analysis. Based on the available evidence, the clinical significance of this variant remains unclear.